The following is an entry in ClinVar:

NM_002890.3(RASA1):c.98T>C (p.Val33Ala)

Gene: RASA1 (RAS p21 protein activator 1; plus strand). Cytogenetic location: 5q14.3.
Variant type: single nucleotide variant.
Coding change: c.98T>C on transcript NM_002890.3 (MANE Select); coding-DNA position 98, T replaced by C.
Protein change: p.Val33Ala; replaces valine 33 with alanine.
Molecular consequence: missense variant.
Genome position (GRCh38, 1-based): chr5:87,268,549, T>C. VCF-style: chr5-87268549-T-C. GRCh37 (hg19) VCF-style: chr5-86564366-T-C.
Other names: short protein forms V33A.
Identifiers: ClinVar variation 1385129 (VCV001385129.6), dbSNP rs2112222218, ClinGen allele CA360416776.

ClinVar aggregate classification (germline): Uncertain significance (1 of 4 stars; one submission).

Conditions:
Capillary malformation-arteriovenous malformation syndrome. Also called: Capillary malformation-arteriovenous malformation. Identifiers: Orphanet 137667, MedGen C1842180, MONDO:0012016.

Allele frequency attached by ClinVar (database versions not stated): gnomAD exomes below 0.00001.
gnomAD v4.1: 1 of 1,602,488 alleles (0.000062%); highest among the groups gnomAD compares: Non-Finnish European, 0.000085%; no homozygotes.

Submission:

Labcorp Genetics (formerly Invitae), Labcorp
Classification: Uncertain significance for Capillary malformation-arteriovenous malformation syndrome. Last evaluated: 2023-08-11. Review status: criteria provided, single submitter. Criteria: Invitae Variant Classification Sherloc (09022015). Collection method: clinical testing. Allele origin: germline.
Comment: Algorithms developed to predict the effect of missense changes on protein structure and function output the following: SIFT: "Not Available"; PolyPhen-2: "Benign"; Align-GVGD: "Not Available". The alanine amino acid residue is found in multiple mammalian species, which suggests that this missense change does not adversely affect protein function. ClinVar contains an entry for this variant (Variation ID: 1385129). This variant has not been reported in the literature in individuals affected with RASA1-related conditions. This variant is not present in population databases (gnomAD no frequency). This sequence change replaces valine, which is neutral and non-polar, with alanine, which is neutral and non-polar, at codon 33 of the RASA1 protein (p.Val33Ala). In summary, the available evidence is currently insufficient to determine the role of this variant in disease. Therefore, it has been classified as a Variant of Uncertain Significance.